The following is an entry in ClinVar:

ClinVar aggregate classification (germline): Uncertain significance. Review status: criteria provided, multiple submitters, no conflicts (2 of 4 stars). 2 submissions from 2 submitters: Uncertain significance (2). Last evaluated 2024-04-20.

Conditions:
CHARGE syndrome (CHARGE). Also called: Hittner Hirsch Kreh syndrome; CHARGE ASSOCIATION--COLOBOMA, HEART ANOMALY, CHOANAL ATRESIA, RETARDATION, GENITAL AND EAR ANOMALIES; Coloboma, heart anomaly, choanal atresia, retardation, genital and ear anomalies; CHARGE association; Hall-Hittner syndrome. Identifiers: Orphanet 138, MedGen C0265354, MONDO:0008965.
Hypogonadotropic hypogonadism 5 with or without anosmia (KAL5). Also called: CHD7-Related GnRH Deficiency (Kallmann Syndrome 5); HYPOGONADOTROPIC HYPOGONADISM 5 WITH ANOSMIA; HYPOGONADOTROPHIC HYPOGONADISM 5 WITHOUT ANOSMIA. Identifiers: Orphanet 478, MedGen C3552553, MONDO:0012880, OMIM 612370. Disease mechanism: loss of function.

Submissions (2):

Fulgent Genetics
Classification: Uncertain significance for CHD7-related CHARGE syndrome; Hypogonadotropic hypogonadism 5 with or without anosmia. Last evaluated: 2024-04-20. Review status: criteria provided, single submitter. Criteria: ACMG Guidelines, 2015. Collection method: clinical testing. Allele origin: germline.

Labcorp Genetics (formerly Invitae), Labcorp
Classification: Uncertain significance for CHARGE syndrome. Last evaluated: 2023-05-31. Review status: criteria provided, single submitter. Criteria: Invitae Variant Classification Sherloc (09022015). Collection method: clinical testing. Allele origin: germline.
Comment: In summary, the available evidence is currently insufficient to determine the role of this variant in disease. Therefore, it has been classified as a Variant of Uncertain Significance. Advanced modeling of protein sequence and biophysical properties (such as structural, functional, and spatial information, amino acid conservation, physicochemical variation, residue mobility, and thermodynamic stability) performed at Invitae indicates that this missense variant is not expected to disrupt CHD7 protein function. This variant has not been reported in the literature in individuals affected with CHD7-related conditions. This variant is not present in population databases (gnomAD no frequency). This sequence change replaces proline, which is neutral and non-polar, with serine, which is neutral and polar, at codon 2553 of the CHD7 protein (p.Pro2553Ser).

NM_017780.4(CHD7):c.7657C>T (p.Pro2553Ser)

Gene: CHD7 (chromodomain helicase DNA binding protein 7; plus strand). Cytogenetic location: 8q12.2.
Variant type: single nucleotide variant.
Coding change: c.7657C>T on transcript NM_017780.4 (MANE Select); coding-DNA position 7657, C replaced by T.
Protein change: p.Pro2553Ser; replaces proline 2553 with serine.
Molecular consequence: missense variant. On other transcripts: intron variant (1).
Genome position (GRCh38, 1-based): chr8:60,860,952, C>T. VCF-style: chr8-60860952-C-T. GRCh37 (hg19) VCF-style: chr8-61773511-C-T.
Other names: c.1717-1277C>T (NM_001316690.1); short protein forms P2553S.
Identifiers: ClinVar variation 2853014 (VCV002853014.4), dbSNP rs2488106680, ClinGen allele CA371304323.